The following is an entry in ClinVar:

ClinVar aggregate classification (germline): Likely pathogenic (0 of 4 stars; one submission).

Conditions:
Pyruvate dehydrogenase E1-alpha deficiency (PDHAD). Also called: ATAXIA, INTERMITTENT, WITH PYRUVATE DEHYDROGENASE DEFICIENCY; ATAXIA WITH LACTIC ACIDOSIS I; ATAXIA, INTERMITTENT, WITH ABNORMAL PYRUVATE METABOLISM; Ataxia, intermittent, with pyruvate dehydrogenase, or decarboxylase, deficiency. Identifiers: Orphanet 79243, MedGen C1839413, MONDO:0010717, OMIM 312170.

Submission:

PDHA1 Study Group, University Children’s Hospital, Paracelsus Medical University
Classification: Likely pathogenic for Pyruvate dehydrogenase E1-alpha deficiency. Last evaluated: 2024-10-15. Review status: no assertion criteria provided. Collection method: research. Allele origin: germline. Affected: yes. Observed: 1 variant allele.
Comment: The NM_000284.3:c.478_479delTTinsAA (p.Phe160Asn) substitution is a missense variant in PDHA1 gene. Last literature search: July 12, 2024. This variant is absent or extremely rare in population-based cohorts in the Genome Aggregation Database (gnomAD). Individuals harboring this variant presented with clinical features compatible with PDHA1-related PDHc deficiency. In summary, this variant meets criteria to be classified as likely pathogenic (LP) for PDHA1-related PDHc deficiency based on the ACMG/AMP criteria applied: PS4, PM1, PM2 (last assessment October 15, 2024).

Literature cited by the submitters: DOI 10.1093/brain/awaf430.

NM_000284.4(PDHA1):c.478_479inv (p.Phe160Asn)

Gene: PDHA1 (pyruvate dehydrogenase E1 subunit alpha 1; plus strand). Cytogenetic location: Xp22.12.
Variant type: Inversion.
Coding change: c.478_479inv on transcript NM_000284.4 (MANE Select).
Protein change: p.Phe160Asn; replaces phenylalanine 160 with asparagine.
Molecular consequence: missense variant.
Genome position: GRCh38 VCF-style: chrX-19353141-TT-AA. GRCh37 (hg19) VCF-style: chrX-19371259-TT-AA.
Other names: c.592_593inv, p.Phe198Asn (NM_001173454.2); c.499_500inv, p.Phe167Asn (NM_001173455.2); c.478_479inv, p.Phe160Asn (NM_001173456.2); short protein forms F160N, F167N, F198N.
Identifiers: ClinVar variation 4070329 (VCV004070329.1).